The following is an entry in ClinVar:

NM_006922.4(SCN3A):c.5707T>A (p.Ser1903Thr)

Gene: SCN3A (sodium voltage-gated channel alpha subunit 3; minus strand). Cytogenetic location: 2q24.3.
Variant type: single nucleotide variant.
Coding change: c.5707T>A on transcript NM_006922.4 (MANE Select); coding-DNA position 5707, T replaced by A.
Protein change: p.Ser1903Thr; replaces serine 1903 with threonine.
Molecular consequence: missense variant.
Genome position (GRCh38, 1-based): chr2:165,090,446, A>T on the plus strand (T>A on the coding strand, the complement: SCN3A is on the minus strand). VCF-style: chr2-165090446-A-T. GRCh37 (hg19) VCF-style: chr2-165946956-A-T.
Other names: c.5560T>A, p.Ser1854Thr (NM_001081676.2, NM_001081677.2); short protein forms S1854T, S1903T.
Identifiers: ClinVar variation 1385153 (VCV001385153.6), dbSNP rs1248527576, ClinGen allele CA349010098.

ClinVar aggregate classification (germline): Uncertain significance (1 of 4 stars; one submission).

Allele frequency attached by ClinVar (database versions not stated): gnomAD exomes below 0.00001 and 0.00001; TOPMed below 0.00001; gnomAD 0.00001.
gnomAD v4.1: 6 of 1,613,890 alleles (0.00037%); highest among the groups gnomAD compares: East Asian, 0.011%; no homozygotes.

Submission:

Labcorp Genetics (formerly Invitae), Labcorp
Classification: Uncertain significance. Last evaluated: 2021-11-10. Review status: criteria provided, single submitter. Criteria: Invitae Variant Classification Sherloc (09022015). Collection method: clinical testing. Allele origin: germline.
Comment: In summary, the available evidence is currently insufficient to determine the role of this variant in disease. Therefore, it has been classified as a Variant of Uncertain Significance. Algorithms developed to predict the effect of sequence changes on RNA splicing suggest that this variant may create or strengthen a splice site. Algorithms developed to predict the effect of missense changes on protein structure and function are either unavailable or do not agree on the potential impact of this missense change (SIFT: "Tolerated"; PolyPhen-2: "Probably Damaging"; Align-GVGD: "Class C0"). This variant has not been reported in the literature in individuals affected with SCN3A-related conditions. This variant is present in population databases (no rsID available, gnomAD 0.006%). This sequence change replaces serine, which is neutral and polar, with threonine, which is neutral and polar, at codon 1903 of the SCN3A protein (p.Ser1903Thr).